The following is an entry in ClinVar:

ClinVar aggregate classification (germline): Pathogenic (1 of 4 stars; one submission).

Conditions:
T-B+ severe combined immunodeficiency due to JAK3 deficiency. Also called: SCID, autosomal recessive, T-negative/B-positive type; SCID, T CELL-NEGATIVE, B CELL-POSITIVE, NK CELL-NEGATIVE. Identifiers: Orphanet 35078, MedGen C1833275, MONDO:0010938, OMIM 600802.

Submission:

Labcorp Genetics (formerly Invitae), Labcorp
Classification: Pathogenic for T-B+ severe combined immunodeficiency due to JAK3 deficiency. Last evaluated: 2023-07-16. Review status: criteria provided, single submitter. Criteria: Invitae Variant Classification Sherloc (09022015). Collection method: clinical testing. Allele origin: germline.
Comment: For these reasons, this variant has been classified as Pathogenic. Algorithms developed to predict the effect of sequence changes on RNA splicing suggest that this variant may create or strengthen a splice site. This variant has not been reported in the literature in individuals affected with JAK3-related conditions. This variant is not present in population databases (gnomAD no frequency). This sequence change creates a premature translational stop signal (p.Gln203*) in the JAK3 gene. It is expected to result in an absent or disrupted protein product. Loss-of-function variants in JAK3 are known to be pathogenic (PMID: 7481768, 11668621).

Literature cited by the submitters: PubMed 7481768; PubMed 11668621.

NM_000215.4(JAK3):c.607C>T (p.Gln203Ter)

Gene: JAK3 (Janus kinase 3; minus strand). Cytogenetic location: 19p13.11.
Variant type: single nucleotide variant.
Coding change: c.607C>T on transcript NM_000215.4 (MANE Select); coding-DNA position 607, C replaced by T.
Protein change: p.Gln203Ter; replaces glutamine 203 with a stop codon.
Molecular consequence: nonsense.
Genome position (GRCh38, 1-based): chr19:17,842,570, G>A on the plus strand (C>T on the coding strand, the complement: JAK3 is on the minus strand). VCF-style: chr19-17842570-G-A. GRCh37 (hg19) VCF-style: chr19-17953379-G-A.
Other names: short protein forms Q203*.
Identifiers: ClinVar variation 2791246 (VCV002791246.3), dbSNP rs2514576148, ClinGen allele CA404772851.